The following is an entry in ClinVar:

ClinVar aggregate classification (germline): Pathogenic/Likely pathogenic. Review status: criteria provided, multiple submitters, no conflicts (2 of 4 stars). 22 submissions from 21 submitters: Pathogenic (13); Likely pathogenic (1). 8 of the submissions do not count toward it. Last evaluated 2026-01-26.

Conditions:
Temtamy syndrome (TEMTYS). Also called: MENTAL RETARDATION WITH OR WITHOUT CRANIOFACIAL DYSMORPHISM, OCULAR COLOBOMA, OR ABNORMAL CORPUS CALLOSUM. Identifiers: Orphanet 1777, MedGen C1857512, MONDO:0009033, OMIM 218340.
Global developmental delay (DD). Also called: Cognitive delay. Identifiers: MedGen C0557874, HP:0001263. Disease mechanism: loss of function.
Abnormal corpus callosum morphology. Also called: Abnormality of the corpus callosum; Corpus callosum abnormalities. Identifiers: MedGen C1842581, HP:0001273.
Seizure. Also called: Seizures. Identifiers: MedGen C0036572, HP:0001250.
Microphthalmia, isolated, with coloboma. Also called: Colobomatous microphthalmia. Identifiers: Orphanet 98938, MedGen C2931500, MONDO:0000170.

Allele frequency attached by ClinVar (database versions not stated): ExAC 0.00004; gnomAD exomes 0.00003; TOPMed 0.00001.

Submissions 1 to 11 of 22:

3billion
Classification: Pathogenic for Temtamy syndrome. Last evaluated: 2026-01-26. Review status: criteria provided, single submitter. Criteria: ACMG Guidelines, 2015. Collection method: clinical testing. Allele origin: germline. Affected: yes.
Comment: The variant is observed at an extremely low frequency in the gnomAD v4.1.0 dataset (total allele frequency: 0.003%). Predicted Consequence/Location: Start-lost: reinitiation of translation may occur at a downstream alternate start codon but still result in a loss or disruption of normal protein function as there have been pathogenic variants reported upstream of the alternate start codon. Functional studies provide moderate evidence of the variant having a damaging effect on the gene or gene product (PMID: 23453666). The variant has been observed in multiple (>3) similarly affected unrelated individuals (PMID: 23453666, 23633300). The variant has been reported to be in trans with a pathogenic variant as either compound heterozygous or homozygous in at least one similarly affected unrelated individual (PMID: 24798461). The variant has been reported to co-segregate with the disease in at least 3 similarly affected relatives/individuals in the same family or similarly affected unrelated families (PMID: 23633300). The variant has been reported at least twice as pathogenic with clinical assertions and evidence for the classification (ClinVar ID: VCV000041942 /PMID: 21937992 /3billion dataset). Therefore, this variant is classified as Pathogenic according to the recommendation of ACMG/AMP guideline.

Daryl Scott Lab, Baylor College of Medicine
Classification: Pathogenic for Temtamy syndrome. Last evaluated: 2025-08-25. Review status: criteria provided, single submitter. Criteria: ACMG Guidelines, 2015. Collection method: clinical testing. Allele origin: unknown. Affected: yes.
Comment: PVS1, PS3, PS4, PM3

First Genomix Gene Laboratory, Genetic Diagnostics Department
Classification: Pathogenic for Temtamy syndrome. Last evaluated: 2025-05-28. Review status: criteria provided, single submitter. Criteria: ACMG Guidelines, 2015. Collection method: clinical testing. Allele origin: germline. Inheritance: Autosomal recessive inheritance. Affected: no. Observed: 1 variant allele.

Revvity Omics, Revvity
Classification: Pathogenic for Temtamy syndrome. Last evaluated: 2024-11-21. Review status: criteria provided, single submitter. Criteria: ACMG Guidelines, 2015. Collection method: clinical testing. Allele origin: germline.

Dubai Health Genomic Medicine Center, Dubai Health
Classification: Pathogenic for Temtamy syndrome. Last evaluated: 2024-10-04. Review status: criteria provided, single submitter. Criteria: ACMG Guidelines, 2015. Collection method: research. Allele origin: germline. Affected: yes.
Comment: PVS1, PS3,PM2,PM3,PP1(strong)

Labcorp Genetics (formerly Invitae), Labcorp
Classification: Pathogenic for Temtamy syndrome. Last evaluated: 2024-07-16. Review status: criteria provided, single submitter. Criteria: Invitae Variant Classification Sherloc (09022015). Collection method: clinical testing. Allele origin: germline.
Comment: This sequence change affects the initiator methionine of the C12orf57 mRNA. The next in-frame methionine is located at codon 36. This variant is present in population databases (rs587776954, gnomAD 0.007%). Disruption of the initiator codon has been observed in individuals with clinical features of Temtamy syndrome (PMID: 23453666, 23633300, 24798461, 28097321, 28454995). It is commonly reported in individuals of Middle Eastern ancestry (PMID: 28600779, 29383837). ClinVar contains an entry for this variant (Variation ID: 41942). Studies have shown that disruption of the initiator codon alters C12orf57 gene expression (PMID: 23453666). For these reasons, this variant has been classified as Pathogenic.

Genomic Medicine Center of Excellence, King Faisal Specialist Hospital and Research Centre
Classification: Pathogenic for Temtamy syndrome. Last evaluated: 2024-03-14. Review status: criteria provided, single submitter. Criteria: ACMG Guidelines, 2015. Collection method: clinical testing. Allele origin: germline.

Women's Health and Genetics/Laboratory Corporation of America, LabCorp
Classification: Pathogenic for Temtamy syndrome. Last evaluated: 2022-09-12. Review status: criteria provided, single submitter. Criteria: LabCorp Variant Classification Summary - May 2015. Collection method: clinical testing. Allele origin: germline.
Comment: Variant summary: C12orf57 c.1A>G (p.Met1Val) alters the initiation codon and is predicted to result either in absence of the protein or truncation of the encoded protein due to translation initiation at a downstream codon. At least one publication reports experimental evidence demosntarting reduced protein levels for this variant (example: Akizu_2013). One of two in-silico tools predict a benign effect of the variant on protein function. The variant allele was found at a frequency of 3.2e-05 in 251408 control chromosomes (gnomAD). c.1A>G has been reported in the literature in multiple individuals affected with Temtamy Syndrome and/or C12orf57 related conditions (Corpus callosum hypoplasia, seizures & ocular malformations) and the variant segregated with the disease (examples: Salih_2012, Akizu_2013 and Alfares_2017). These data indicate that the variant is very likely to be associated with disease. Seven clinical diagnostic laboratories have submitted clinical-significance assessments for this variant to ClinVar after 2014 and all classified the variant as pathogenic (n=6) and likely pathogenic. (n=1). Based on the evidence outlined above, the variant was classified as pathogenic.

Broad Center for Mendelian Genomics, Broad Institute of MIT and Harvard
Classification: Likely pathogenic for Temtamy syndrome. Last evaluated: 2022-05-04. Review status: criteria provided, single submitter. Criteria: ACMG Guidelines, 2015. Collection method: curation. Allele origin: germline. Inheritance: Autosomal recessive inheritance.
Comment: The homozygous p.Met1? variant in C12orf57 was identified by our study in 2 siblings with temtamy syndrome. The variant has been reported in at least 10 Arab individuals with temtamy syndrome (PMID: 23453666, 28454995, 23453665, 24798461), segregated with disease in at least 5 affected relatives from 3 families (PMID: 23453666), and has been identified in 0.006% (1/16238) of African chromosomes by the Genome Aggregation Database (gnomAD; dbSNP ID: rs587776954). Although this variant has been seen in the general population, its frequency is low enough to be consistent with a recessive carrier frequency. This variant has also been reported in ClinVar (Variation ID: 41942) as pathogenic by OMIM, GeneDx, Mayo Clinic Genetic Testing Laboratories, Invitae, and Baylor Genetics, and as likely pathogenic by Developmental Genetics Unit, King Faisal Specialist Hospital & Research Centre. In vitro functional studies provide some evidence that the p.Met1? variant may impact protein function (PMID: 23453666). However, these types of assays may not accurately represent biological function. The presence of this variant in at least 10 affected homozygotes, in combination with variants of uncertain significance in 2 families, and in at least 10 individuals with temtamy syndrome increases the likelihood that the p.Met1? variant is pathogenic (PMID: 23453666, 28454995, 23453665, 24798461). In summary, although additional studies are required to fully establish its clinical significance, this variant is likely pathogenic. ACMG/AMP Criteria applied: PP1_strong, PM2, PM3, PS3_supporting (Richards 2015).

GeneDx
Classification: Pathogenic. Last evaluated: 2022-01-20. Review status: criteria provided, single submitter. Criteria: GeneDx Variant Classification Process June 2021. Collection method: clinical testing. Allele origin: germline. Affected: yes.
Comment: Published functional studies demonstrate expression of the c.1 A>G variant in a lentiviral construct reduces the amount of protein produced (Akizu et al., 2013); Not observed at significant frequency in large population cohorts (gnomAD); This variant is associated with the following publications: (PMID: 28600779, 29383837, 21937992, 23453666, 27848944, 24798461, 23453665, 23633300, 28097321, 29450879, 31130284, 28454995, 33144682)

Institute of Human Genetics, University of Leipzig Medical Center
Classification: Pathogenic for Temtamy syndrome. Last evaluated: 2020-06-01. Review status: criteria provided, single submitter. Criteria: ACMG Guidelines, 2015. Collection method: clinical testing. Allele origin: germline. Inheritance: Autosomal recessive inheritance. Affected: yes.
Comment: PVS1_Moderate, PS4_Supporting, PM2, PM3, PP1_Strong

NM_138425.4(C12orf57):c.1A>G (p.Met1Val)

Gene: C12orf57 (chromosome 12 open reading frame 57; plus strand). Cytogenetic location: 12p13.31.
Variant type: single nucleotide variant.
Coding change: c.1A>G on transcript NM_138425.4 (MANE Select); coding-DNA position 1, A replaced by G.
Protein change: p.Met1Val; changes the start codon (methionine 1).
Molecular consequence: missense variant, initiator codon variant. On other transcripts: 5 prime UTR variant (1), non-coding transcript variant (1), intron variant (1).
Genome position (GRCh38, 1-based): chr12:6,944,122, A>G. VCF-style: chr12-6944122-A-G. GRCh37 (hg19) VCF-style: chr12-7053285-A-G.
Other names: C12ORF57, MET1VAL; NM_138425.4(C12orf57):c.1A>G; p.Met1Val; c.1A>G, p.Met1Val (NM_001301834.1, NM_001301837.2); c.-201A>G (NM_001301838.2); c.14-354A>G (NM_001301836.2); c.1A>G (NM_001301837.1); short protein forms M1V.
Identifiers: ClinVar variation 41942 (VCV000041942.51), dbSNP rs587776954, ClinGen allele CA130935.
Genomic context (GRCh38, chr12:6,944,122, plus strand): 5'-TGGCTCTTTATTCGTGAGTTTTCCATTTACCTCCGCTGAACCTAGAGCTTCAGACGCCCT[A>G]TGGCGTCCGCCTCGACCCAACCGGCGGCCTTGAGCGCTGAGCAAGCAAAGGGTGAGAATC-3'
Protein context (NP_612434.1, residues 1-11): [Met1Val]ASASTQPAAL